The following is an entry in ClinVar:

ClinVar aggregate classification (germline): Likely benign (1 of 4 stars; one submission).

Allele frequency attached by ClinVar (database versions not stated): gnomAD exomes 0.00050; 1000 Genomes Project 0.00319; 1000 Genomes Project 30x 0.00375; gnomAD 0.00557; TOPMed 0.00642.
gnomAD v4.1: 1,550 of 1,508,912 alleles (0.1%); highest among the groups gnomAD compares: African/African-American, 1.9%; 17 homozygotes.

Submission:

GeneDx
Classification: Likely benign. Last evaluated: 2021-05-26. Review status: criteria provided, single submitter. Criteria: GeneDx Variant Classification Process June 2021. Collection method: clinical testing. Allele origin: germline. Affected: yes.
Comment: See Variant Classification Assertion Criteria.

NM_001267052.2(UNC45B):c.640-84A>G

Gene: UNC45B (unc-45 myosin chaperone B; plus strand). Cytogenetic location: 17q12.
Variant type: single nucleotide variant.
Coding change: c.640-84A>G on transcript NM_001267052.2 (MANE Select); 84 bases into the intron before coding-DNA position 640, A replaced by G.
Molecular consequence: intron variant.
Genome position (GRCh38, 1-based): chr17:35,155,212, A>G. VCF-style: chr17-35155212-A-G. GRCh37 (hg19) VCF-style: chr17-33482231-A-G.
Other names: c.640-84A>G (NM_001033576.2, NM_173167.3, NM_001308281.1).
Identifiers: ClinVar variation 1706925 (VCV001706925.2), dbSNP rs116415275, ClinGen allele CA290038599.